The following is an entry in ClinVar:

NM_000059.4(BRCA2):c.9290_9293del (p.Cys3097fs)

Gene: BRCA2 (BRCA2 DNA repair associated; plus strand). Cytogenetic location: 13q13.1.
Variant type: Deletion.
Coding change: c.9290_9293del on transcript NM_000059.4 (MANE Select); coding-DNA positions 9290 to 9293, 4 bases deleted (GTTA; older notation c.9290_9293delGTTA).
Protein change: p.Cys3097fs; shifts the reading frame from cysteine 3097.
Molecular consequence: frameshift variant.
Genome position (GRCh38, 1-based): chr13:32,394,722-32,394,725, GTTA deleted. VCF-style (leftmost placement, unchanged base first): chr13-32394721-TGTTA-T. GRCh37 (hg19) VCF-style: chr13-32968858-TGTTA-T.
Other names: c.9290_9293delGTTA (NM_000059.3); short protein forms C3097fs.
Identifiers: ClinVar variation 462521 (VCV000462521.7), dbSNP rs1555289508, ClinGen allele CA658656354.

ClinVar aggregate classification (germline): Pathogenic (1 of 4 stars; one submission).

Conditions:
Hereditary breast ovarian cancer syndrome. Also called: Hereditary breast and ovarian cancer syndrome (HBOC); Hereditary breast and ovarian cancer syndrome; Breast and ovarian cancer; Hereditary breast and/or ovarian cancer syndrome; Hereditary breast and ovarian cancer; BRCA1- and BRCA2-Associated Hereditary Breast and Ovarian Cancer. Identifiers: Orphanet 145, MedGen C0677776, MeSH D061325, MONDO:0003582. Disease mechanism: loss of function.

Submission:

Labcorp Genetics (formerly Invitae), Labcorp
Classification: Pathogenic for Hereditary breast ovarian cancer syndrome. Last evaluated: 2021-12-09. Review status: criteria provided, single submitter. Criteria: Invitae Variant Classification Sherloc (09022015). Collection method: clinical testing. Allele origin: germline.
Comment: For these reasons, this variant has been classified as Pathogenic. ClinVar contains an entry for this variant (Variation ID: 462521). This variant has not been reported in the literature in individuals affected with BRCA2-related conditions. This variant is not present in population databases (gnomAD no frequency). This sequence change creates a premature translational stop signal (p.Cys3097Serfs*6) in the BRCA2 gene. It is expected to result in an absent or disrupted protein product. Loss-of-function variants in BRCA2 are known to be pathogenic (PMID: 20104584).

Literature cited by the submitters: PubMed 20104584.